The following is an entry in ClinVar:

NM_201253.3(CRB1):c.3325dup (p.Tyr1109fs)

Gene: CRB1 (crumbs cell polarity complex component 1; plus strand). Cytogenetic location: 1q31.3.
Variant type: Duplication.
Coding change: c.3325dup on transcript NM_201253.3 (MANE Select); coding-DNA position 3325, one base duplicated (T; older notation c.3325dupT).
Protein change: p.Tyr1109fs; shifts the reading frame from tyrosine 1109.
Molecular consequence: frameshift variant. On other transcripts: non-coding transcript variant (2), intron variant (1).
Genome position (GRCh38, 1-based): chr1:197,435,188, T duplicated; the last of 2 consecutive T bases (chr1:197,435,187-197,435,188); duplicating either gives the same sequence. VCF-style (leftmost placement, unchanged base first): chr1-197435186-C-CT. GRCh37 (hg19) VCF-style: chr1-197404316-C-CT.
Other names: c.2989dup, p.Tyr997fs (NM_001193640.2); c.3253dup, p.Tyr1085fs (NM_001257965.2); c.2129-412dup (NM_001257966.2); short protein forms Y1085fs, Y1109fs, Y997fs.
Identifiers: ClinVar variation 1075122 (VCV001075122.8), dbSNP rs2125500127, ClinGen allele CA2499214383.

ClinVar aggregate classification (germline): Pathogenic (1 of 4 stars; one submission).

Conditions:
Retinitis pigmentosa 12 (RP12). Also called: RP WITH OR WITHOUT PPRPE; RP WITH OR WITHOUT PRESERVED PARAARTERIOLE RETINAL PIGMENT EPITHELIUM; RETINITIS PIGMENTOSA WITH OR WITHOUT PARAARTERIOLAR PRESERVATION OF RETINAL PIGMENT EPITHELIUM. Identifiers: Orphanet 791, MedGen C1838647, MONDO:0010818, OMIM 600105.
Leber congenital amaurosis 8 (LCA8). Identifiers: Orphanet 65, MedGen C3151202, MONDO:0013453, OMIM 613835.

Submission:

Labcorp Genetics (formerly Invitae), Labcorp
Classification: Pathogenic for Leber congenital amaurosis 8; Retinitis pigmentosa 12. Last evaluated: 2022-08-09. Review status: criteria provided, single submitter. Criteria: Invitae Variant Classification Sherloc (09022015). Collection method: clinical testing. Allele origin: germline.
Comment: This sequence change creates a premature translational stop signal (p.Tyr1109Leufs*3) in the CRB1 gene. It is expected to result in an absent or disrupted protein product. Loss-of-function variants in CRB1 are known to be pathogenic (PMID: 10508521, 22065545, 23379534, 25412400, 26957898, 28041643, 29391521). For these reasons, this variant has been classified as Pathogenic. ClinVar contains an entry for this variant (Variation ID: 1075122). This variant has not been reported in the literature in individuals affected with CRB1-related conditions. This variant is not present in population databases (gnomAD no frequency).

Literature cited by the submitters: PubMed 10508521; PubMed 22065545; PubMed 23379534; PubMed 25412400; PubMed 26957898; PubMed 28041643; PubMed 29391521.